The following is an entry in ClinVar:

ClinVar aggregate classification (germline): Uncertain significance (1 of 4 stars; one submission).

Allele frequency attached by ClinVar (database versions not stated): TOPMed below 0.00001; ExAC 0.00002.
gnomAD v4.1: 10 of 1,613,896 alleles (0.00062%); highest among the groups gnomAD compares: African/African-American, 0.0013%; no homozygotes.

Submission:

Labcorp Genetics (formerly Invitae), Labcorp
Classification: Uncertain significance. Last evaluated: 2022-07-18. Review status: criteria provided, single submitter. Criteria: Invitae Variant Classification Sherloc (09022015). Collection method: clinical testing. Allele origin: germline.
Comment: This sequence change replaces arginine, which is basic and polar, with histidine, which is basic and polar, at codon 767 of the EXTL3 protein (p.Arg767His). This variant is present in population databases (rs781131046, gnomAD 0.01%). This variant has not been reported in the literature in individuals affected with EXTL3-related conditions. ClinVar contains an entry for this variant (Variation ID: 1351485). Algorithms developed to predict the effect of missense changes on protein structure and function (SIFT, PolyPhen-2, Align-GVGD) all suggest that this variant is likely to be disruptive. In summary, the available evidence is currently insufficient to determine the role of this variant in disease. Therefore, it has been classified as a Variant of Uncertain Significance.

NM_001440.4(EXTL3):c.2300G>A (p.Arg767His)

Gene: EXTL3 (exostosin like glycosyltransferase 3; plus strand). Cytogenetic location: 8p21.1.
Variant type: single nucleotide variant.
Coding change: c.2300G>A on transcript NM_001440.4 (MANE Select); coding-DNA position 2300, G replaced by A.
Protein change: p.Arg767His; replaces arginine 767 with histidine.
Molecular consequence: missense variant. On other transcripts: non-coding transcript variant (1).
Genome position (GRCh38, 1-based): chr8:28,737,542, G>A. VCF-style: chr8-28737542-G-A. GRCh37 (hg19) VCF-style: chr8-28595059-G-A.
Other names: short protein forms R767H.
Identifiers: ClinVar variation 1351485 (VCV001351485.3), dbSNP rs781131046, ClinGen allele CA4696399.
Genomic context (GRCh38, chr8:28,737,542, plus strand): 5'-TGTATTCAGGTCTGTGTATGCACTTGTGTTTTTCAAGGGTGTGGAGAGAAGCTCGGGACC[G>A]CATCGTGGGCTTCCCTGGCCGTTACCACGCATGGGACATCCCCCATCAGTCCTGGCTCTA-3'
Protein context (NP_001431.1, residues 757-777): GFRVWREARD[Arg767His]IVGFPGRYHA